The following is an entry in ClinVar:

ClinVar aggregate classification (germline): Uncertain significance (1 of 4 stars; one submission).

Submission:

GeneDx
Classification: Uncertain significance. Last evaluated: 2026-03-12. Review status: criteria provided, single submitter. Criteria: GeneDx Variant Classification Process June 2021. Collection method: clinical testing. Allele origin: germline.
Comment: Not observed at significant frequency in large population cohorts (gnomAD); In silico analysis supports that this missense variant has a deleterious effect on protein structure/function; Has not been previously published as pathogenic or benign to our knowledge

NM_022893.4(BCL11A):c.1348C>T (p.Pro450Ser)

Gene: BCL11A (BCL11 transcription factor A; minus strand). Cytogenetic location: 2p16.1.
Variant type: single nucleotide variant.
Coding change: c.1348C>T on transcript NM_022893.4 (MANE Select); coding-DNA position 1348, C replaced by T.
Protein change: p.Pro450Ser; replaces proline 450 with serine.
Molecular consequence: missense variant. On other transcripts: intron variant (6).
Genome position (GRCh38, 1-based): chr2:60,461,564, G>A on the plus strand (C>T on the coding strand, the complement: BCL11A is on the minus strand). VCF-style: chr2-60461564-G-A. GRCh37 (hg19) VCF-style: chr2-60688699-G-A.
Other names: c.1246C>T, p.Pro416Ser (NM_001363864.1, NM_001365609.1, NM_001405711.1 and 2 more transcripts); c.1348C>T, p.Pro450Ser (NM_001405708.1, NM_001405709.1, NM_001405710.1 and 1 more transcripts); c.1192C>T, p.Pro398Ser (NM_001405713.1, NM_001405714.1, NM_001405715.1 and 3 more transcripts); c.1090C>T, p.Pro364Ser (NM_001405717.1, NM_001405718.1, NM_001405724.1); c.1015C>T, p.Pro339Ser (NM_001405720.1, NM_001405721.1); c.892C>T, p.Pro298Ser (NM_001405725.1, NM_001405726.1, NM_001405727.1 and 1 more transcripts); c.655C>T, p.Pro219Ser (NM_001405729.1); c.811C>T, p.Pro271Ser (NM_001405730.1); and 5 more; short protein forms P271S, P364S, P219S, P298S, P339S, P119S, P398S, P416S.
Identifiers: ClinVar variation 5008536 (VCV005008536.1).